The following is an entry in ClinVar:

ClinVar aggregate classification (germline): Uncertain significance (1 of 4 stars; one submission).

Conditions:
Charcot-Marie-Tooth disease axonal type 2O. Also called: CHARCOT-MARIE-TOOTH NEUROPATHY, AXONAL, TYPE 2O; CHARCOT-MARIE-TOOTH DISEASE, AXONAL, AUTOSOMAL DOMINANT, TYPE 2O; Charcot-Marie-Tooth Neuropathy Type 2O; Charcot-Marie-Tooth disease, axonal, type 20. Identifiers: Orphanet 284232, MedGen C3280220, MONDO:0013644, OMIM 614228.

Submission:

Labcorp Genetics (formerly Invitae), Labcorp
Classification: Uncertain significance for Charcot-Marie-Tooth disease axonal type 2O. Last evaluated: 2025-07-26. Review status: criteria provided, single submitter. Criteria: Invitae Variant Classification Sherloc (09022015). Collection method: clinical testing. Allele origin: germline.
Comment: This sequence change replaces arginine, which is basic and polar, with serine, which is neutral and polar, at codon 759 of the DYNC1H1 protein (p.Arg759Ser). This variant is not present in population databases (gnomAD no frequency). This variant has not been reported in the literature in individuals affected with DYNC1H1-related conditions. Invitae Evidence Modeling of protein sequence and biophysical properties (such as structural, functional, and spatial information, amino acid conservation, physicochemical variation, residue mobility, and thermodynamic stability) has been performed for this missense variant. However, the output from this modeling did not meet the statistical confidence thresholds required to predict the impact of this variant on DYNC1H1 protein function. In summary, the available evidence is currently insufficient to determine the role of this variant in disease. Therefore, it has been classified as a Variant of Uncertain Significance.

NM_001376.5(DYNC1H1):c.2275C>A (p.Arg759Ser)

Gene: DYNC1H1 (dynein cytoplasmic 1 heavy chain 1; plus strand). Cytogenetic location: 14q32.31.
Variant type: single nucleotide variant.
Coding change: c.2275C>A on transcript NM_001376.5 (MANE Select); coding-DNA position 2275, C replaced by A.
Protein change: p.Arg759Ser; replaces arginine 759 with serine.
Molecular consequence: missense variant.
Genome position (GRCh38, 1-based): chr14:101,986,500, C>A. VCF-style: chr14-101986500-C-A. GRCh37 (hg19) VCF-style: chr14-102452837-C-A.
Other names: short protein forms R759S.
Identifiers: ClinVar variation 4802039 (VCV004802039.1).